The following is an entry in ClinVar:

ClinVar aggregate classification (germline): Likely benign (1 of 4 stars; one submission).

gnomAD v4.1: 1 of 1,613,758 alleles (0.000062%); highest among the groups gnomAD compares: Admixed American, 0.0017%; no homozygotes.

Submission:

CeGaT Center for Human Genetics Tuebingen
Classification: Likely benign. Last evaluated: 2026-08-01. Review status: criteria provided, single submitter. Criteria: CeGaT Center For Human Genetics Tuebingen Variant Classification Criteria Version 2. Collection method: clinical testing. Allele origin: germline. Affected: yes. Observed: 1 variant allele.
Comment: ATP8A2: BP4, BP7

NM_016529.6(ATP8A2):c.1506C>A (p.Thr502=)

Gene: ATP8A2 (ATPase phospholipid transporting 8A2). Cytogenetic location: 13q12.13.
Variant type: single nucleotide variant.
Coding change: c.1506C>A on transcript NM_016529.6 (MANE Select); coding-DNA position 1506, C replaced by A.
Protein change: p.Thr502=; no amino-acid change (threonine 502 retained).
Molecular consequence: synonymous variant.
Genome position (GRCh38, 1-based): chr13:25,570,799, C>A. VCF-style: chr13-25570799-C-A. GRCh37 (hg19) VCF-style: chr13-26144937-C-A.
Other names: c.1386C>A, p.Thr462= (NM_001313741.1); c.1506C>A, p.Thr502= (NM_001411005.1, NM_001411006.1).
Identifiers: ClinVar variation 5040423 (VCV005040423.1).